The following is an entry in ClinVar:

NM_002693.3(POLG):c.3316G>T (p.Val1106Phe)

Gene: POLG (DNA polymerase gamma, catalytic subunit; minus strand). Cytogenetic location: 15q26.1.
Variant type: single nucleotide variant.
Coding change: c.3316G>T on transcript NM_002693.3 (MANE Select); coding-DNA position 3316, G replaced by T.
Protein change: p.Val1106Phe; replaces valine 1106 with phenylalanine.
Molecular consequence: missense variant.
Genome position (GRCh38, 1-based): chr15:89,318,707, C>A on the plus strand (G>T on the coding strand, the complement: POLG is on the minus strand). VCF-style: chr15-89318707-C-A. GRCh37 (hg19) VCF-style: chr15-89861938-C-A.
Other names: c.3316G>T, p.Val1106Phe (NM_001126131.2); short protein forms V1106F.
Identifiers: ClinVar variation 576179 (VCV000576179.9), dbSNP rs1567185212, ClinGen allele CA393750047.

ClinVar aggregate classification (germline): Uncertain significance (1 of 4 stars; one submission).

Conditions:
Progressive sclerosing poliodystrophy (MTDPS4A). Also called: Mitochondrial DNA depletion syndrome 4A (Alpers type); Mitochondrial DNA Depletion Syndrome 4A; Alpers Syndrome; ALPERS DIFFUSE DEGENERATION OF CEREBRAL GRAY MATTER WITH HEPATIC CIRRHOSIS; Alpers-Huttenlocher Syndrome; ALPERS PROGRESSIVE INFANTILE POLIODYSTROPHY. Identifiers: Orphanet 726, MedGen C0205710, MONDO:0008758, OMIM 203700.

Submission:

Labcorp Genetics (formerly Invitae), Labcorp
Classification: Uncertain significance for Progressive sclerosing poliodystrophy. Last evaluated: 2021-02-16. Review status: criteria provided, single submitter. Criteria: Invitae Variant Classification Sherloc (09022015). Collection method: clinical testing. Allele origin: germline.
Comment: This sequence change replaces valine with phenylalanine at codon 1106 of the POLG protein (p.Val1106Phe). The valine residue is highly conserved and there is a small physicochemical difference between valine and phenylalanine. This variant is not present in population databases (ExAC no frequency). This variant has not been reported in the literature in individuals with POLG-related disease. Algorithms developed to predict the effect of missense changes on protein structure and function (SIFT, PolyPhen-2, Align-GVGD) all suggest that this variant is likely to be disruptive, but these predictions have not been confirmed by published functional studies and their clinical significance is uncertain. In summary, the available evidence is currently insufficient to determine the role of this variant in disease. Therefore, it has been classified as a Variant of Uncertain Significance.